The following is an entry in ClinVar:

ClinVar aggregate classification (germline): Likely benign. Review status: criteria provided, single submitter (1 of 4 stars). 2 submissions from 2 submitters: Likely benign (1). 1 of the submissions does not count toward it. Last evaluated 2025-06-17.

Conditions:
PEX6-related disorder. Also called: PEX6-related condition; PEX6-related disorders.
Peroxisome biogenesis disorder. Identifiers: Orphanet 79189, MedGen C1832200, MONDO:0019234. Disease mechanism: loss of function.

Allele frequency attached by ClinVar (database versions not stated): gnomAD exomes 0.00001 and 0.00002.

Submissions (2):

Labcorp Genetics (formerly Invitae), Labcorp
Classification: Likely benign for Peroxisome biogenesis disorder. Last evaluated: 2025-06-17. Review status: criteria provided, single submitter. Criteria: Invitae Variant Classification Sherloc (09022015). Collection method: clinical testing. Allele origin: germline.

PreventionGenetics, part of Exact Sciences
Classification: Likely benign for PEX6-related condition. Last evaluated: 2023-08-07. Review status: no assertion criteria provided. Collection method: clinical testing. Allele origin: germline. Not counted in ClinVar's aggregate classification.
Comment: This variant is classified as likely benign based on ACMG/AMP sequence variant interpretation guidelines (Richards et al. 2015 PMID: 25741868, with internal and published modifications).

NM_000287.4(PEX6):c.192C>G (p.Thr64=)

Gene: PEX6 (peroxisomal biogenesis factor 6; minus strand). Cytogenetic location: 6p21.1.
Variant type: single nucleotide variant.
Coding change: c.192C>G on transcript NM_000287.4 (MANE Select); coding-DNA position 192, C replaced by G.
Protein change: p.Thr64=; no amino-acid change (threonine 64 retained).
Molecular consequence: synonymous variant. On other transcripts: non-coding transcript variant (1).
Genome position (GRCh38, 1-based): chr6:42,978,959, G>C on the plus strand (C>G on the coding strand, the complement: PEX6 is on the minus strand). VCF-style: chr6-42978959-G-C. GRCh37 (hg19) VCF-style: chr6-42946697-G-C.
Other names: c.192C>G (NM_000287.3); c.192C>G, p.Thr64= (NM_001316313.2).
Identifiers: ClinVar variation 1151118 (VCV001151118.11), dbSNP rs1310661091, ClinGen allele CA450366801.